The following is an entry in ClinVar:

ClinVar aggregate classification (germline): Likely benign. Review status: criteria provided, multiple submitters, no conflicts (2 of 4 stars). 3 submissions from 3 submitters: Likely benign (3). Last evaluated 2024-11-27.

Conditions:
Inborn genetic diseases. Identifiers: MedGen C0950123, MeSH D030342.
DYNC1H1-related disorder. Also called: DYNC1H1-related disorders; DYNC1H1-related condition. Identifiers: MedGen CN381529.
Charcot-Marie-Tooth disease axonal type 2O. Also called: Charcot-Marie-Tooth disease, axonal, type 20; CHARCOT-MARIE-TOOTH NEUROPATHY, AXONAL, TYPE 2O; CHARCOT-MARIE-TOOTH DISEASE, AXONAL, AUTOSOMAL DOMINANT, TYPE 2O; Charcot-Marie-Tooth Neuropathy Type 2O. Identifiers: Orphanet 284232, MedGen C3280220, MONDO:0013644, OMIM 614228.

Allele frequency attached by ClinVar (database versions not stated): gnomAD exomes below 0.00001; TOPMed below 0.00001; gnomAD 0.00001; ExAC 0.00002.
gnomAD v4.1: 4 of 1,614,106 alleles (0.00025%); highest among the groups gnomAD compares: Non-Finnish European, 0.00034%; no homozygotes.

Submissions (3):

PreventionGenetics, part of Exact Sciences
Classification: Likely benign for DYNC1H1-related condition. Last evaluated: 2024-11-27. Review status: criteria provided, single submitter. Criteria: ACMG Guidelines, 2015. Collection method: clinical testing. Allele origin: germline.
Comment: This variant is classified as likely benign based on ACMG/AMP sequence variant interpretation guidelines (Richards et al. 2015 PMID: 25741868, with internal and published modifications).

Labcorp Genetics (formerly Invitae), Labcorp
Classification: Likely benign for Charcot-Marie-Tooth disease axonal type 2O. Last evaluated: 2023-05-22. Review status: criteria provided, single submitter. Criteria: Invitae Variant Classification Sherloc (09022015). Collection method: clinical testing. Allele origin: germline.

Ambry Genetics
Classification: Likely benign for Inborn genetic diseases. Last evaluated: 2019-10-15. Review status: criteria provided, single submitter. Criteria: Ambry Variant Classification Scheme 2023. Collection method: clinical testing. Allele origin: germline.

NM_001376.5(DYNC1H1):c.6867C>T (p.Asp2289=)

Gene: DYNC1H1 (dynein cytoplasmic 1 heavy chain 1; plus strand). Cytogenetic location: 14q32.31.
Variant type: single nucleotide variant.
Coding change: c.6867C>T on transcript NM_001376.5 (MANE Select); coding-DNA position 6867, C replaced by T.
Protein change: p.Asp2289=; no amino-acid change (aspartic acid 2289 retained).
Molecular consequence: synonymous variant.
Genome position (GRCh38, 1-based): chr14:102,012,323, C>T. VCF-style: chr14-102012323-C-T. GRCh37 (hg19) VCF-style: chr14-102478660-C-T.
Identifiers: ClinVar variation 1755858 (VCV001755858.8), dbSNP rs749577064, ClinGen allele CA7352698.